The following is an entry in ClinVar:

NM_000465.4(BARD1):c.141G>T (p.Leu47=)

Gene: BARD1 (BRCA1 associated RING domain 1; minus strand). Cytogenetic location: 2q35.
Variant type: single nucleotide variant.
Coding change: c.141G>T on transcript NM_000465.4 (MANE Select); coding-DNA position 141, G replaced by T.
Protein change: p.Leu47=; no amino-acid change (leucine 47 retained).
Molecular consequence: synonymous variant. On other transcripts: non-coding transcript variant (3).
Genome position (GRCh38, 1-based): chr2:214,809,429, C>A on the plus strand (G>T on the coding strand, the complement: BARD1 is on the minus strand). VCF-style: chr2-214809429-C-A. GRCh37 (hg19) VCF-style: chr2-215674153-C-A.
Other names: c.141G>T, p.Leu47= (NM_001282543.2, NM_001282545.2, NM_001282548.2 and 1 more transcripts).
Identifiers: ClinVar variation 3378866 (VCV003378866.1).

ClinVar aggregate classification (germline): Benign (1 of 4 stars; one submission).

Conditions:
Familial cancer of breast. Also called: hereditary breast carcinoma; Hereditary breast cancer; BREAST CANCER, FAMILIAL. Identifiers: Orphanet 227535, MedGen C0346153, MONDO:0016419, OMIM 114480. Disease mechanism: loss of function.

Submission:

Myriad Genetics, Inc.
Classification: Benign for Familial cancer of breast. Last evaluated: 2024-07-18. Review status: criteria provided, single submitter. Criteria: Myriad Autosomal Dominant, Autosomal Recessive and X-Linked Classification Criteria (2023). Collection method: clinical testing. Allele origin: unknown.
Comment: This variant is considered benign. This variant is a silent/synonymous amino acid change and it is not expected to impact splicing.